The following is an entry in ClinVar:

ClinVar aggregate classification (germline): Conflicting classifications of pathogenicity. Review status: criteria provided, conflicting classifications (1 of 4 stars). 9 submissions from 9 submitters: Pathogenic (2); Likely pathogenic (5); Uncertain significance (1). 1 of the submissions does not count toward it. Last evaluated 2025-06-20.

Conditions:
Hereditary cancer-predisposing syndrome. Also called: Tumor predisposition; Hereditary neoplastic syndrome; Neoplastic Syndromes, Hereditary; Hereditary Cancer Syndrome. Identifiers: Orphanet 140162, MedGen C0027672, MeSH D009386, MONDO:0015356.
Fanconi anemia (FA). Also called: Fanconi's anemia. Identifiers: Orphanet 84, MedGen C0015625, MeSH D005199, MONDO:0019391.
Fanconi anemia complementation group C (FANCC). Also called: Fanconi anemia, group C; FANCONI PANCYTOPENIA, TYPE 3; FACC; FANCC-Related Fanconi Anemia. Identifiers: Orphanet 84, MedGen C3468041, MONDO:0009213, OMIM 227645.

Allele frequency attached by ClinVar (database versions not stated): TOPMed below 0.00001; gnomAD exomes 0.00001; ExAC 0.00002.
gnomAD v4.1: 5 of 1,614,142 alleles (0.00031%); highest among the groups gnomAD compares: South Asian, 0.0055%; no homozygotes.

Submissions (9):

Natera, Inc.
Classification: Likely pathogenic for Fanconi anemia. Last evaluated: 2025-06-20. Review status: criteria provided, single submitter. Criteria: Natera Variant Classification Schema (03/2026). Collection method: clinical testing. Allele origin: germline.
Comment: The c.1533+1G>C variant in FANCC is a canonical splice donor site variant predicted to affect pre-mRNA splicing, which may result in an abnormal transcript and altered protein product. This variant is expected to result in nonsense mediated decay, truncation, or a dysfunctional protein product. This variant is rare in the general population with a frequency below the threshold expected for the associated phenotype(s). Given the available evidence, this variant is classified as Likely Pathogenic.

Fulgent Genetics
Classification: Likely pathogenic for Fanconi anemia complementation group C. Last evaluated: 2024-05-29. Review status: criteria provided, single submitter. Criteria: ACMG Guidelines, 2015. Collection method: clinical testing. Allele origin: germline.

Baylor Genetics
Classification: Likely pathogenic for Fanconi anemia complementation group C. Last evaluated: 2024-02-21. Review status: criteria provided, single submitter. Criteria: ACMG Guidelines, 2015. Collection method: clinical testing. Allele origin: unknown.

Labcorp Genetics (formerly Invitae), Labcorp
Classification: Pathogenic for Fanconi anemia. Last evaluated: 2024-02-11. Review status: criteria provided, single submitter. Criteria: Invitae Variant Classification Sherloc (09022015). Collection method: clinical testing. Allele origin: germline.
Comment: This sequence change affects a donor splice site in intron 14 of the FANCC gene. While this variant is not anticipated to result in nonsense mediated decay, it likely alters RNA splicing and results in a disrupted protein product. This variant is present in population databases (rs753885687, gnomAD 0.006%). This variant has not been reported in the literature in individuals affected with FANCC-related conditions. ClinVar contains an entry for this variant (Variation ID: 370968). Variants that disrupt the consensus splice site are a relatively common cause of aberrant splicing (PMID: 17576681, 9536098). Algorithms developed to predict the effect of sequence changes on RNA splicing suggest that this variant may disrupt the consensus splice site. This variant disrupts a region of the FANCC protein in which other variant(s) (p.Arg548*) have been determined to be pathogenic (PMID: 8103176, 8882868, 24584348). This suggests that this is a clinically significant region of the protein, and that variants that disrupt it are likely to be disease-causing. For these reasons, this variant has been classified as Pathogenic.

Victorian Clinical Genetics Services, Murdoch Childrens Research Institute
Classification: Likely pathogenic for Fanconi anemia complementation group C. Last evaluated: 2022-02-02. Review status: criteria provided, single submitter. Criteria: ACMG Guidelines, 2015. Collection method: clinical testing. Allele origin: germline. Inheritance: Autosomal recessive inheritance.
Comment: Based on the classification scheme VCGS_Germline_v1.3.4, this variant is classified as likely pathogenic. The following criteria are met: 0102 - Loss of function is a mechanism of disease in this gene and is associated with Fanconi anaemia of complementation group C (MIM#227645). (I) 0106 - This gene is associated with autosomal recessive disease. (I) 0211 - Canonical splice site variant without proven consequence on splicing (no functional evidence available). (SP) 0251 - This variant is heterozygous. (I) 0304 - Variant is present in gnomAD <0.01 for a recessive condition (v2) (2 heterozygotes, 0 homozygotes). (SP) 0311 - Two alternative nucleotide changes at the same canonical splice site are present in gnomAD (v3) (highest allele: 1 heterozygote, 0 homozygotes). (I) 0508 - In silico predictions for abnormal splicing are conflicting. (I) 0803 - This variant has limited previous evidence of pathogenicity and has previously been reported as likely pathogenic and pathogenic in ClinVar. (SP) 0905 - No published segregation evidence has been identified for this variant. (I) 1007 - No published functional evidence has been identified for this variant. (I) 0703 - Other canonical splice site variants comparable to the one identified in this case have moderate previous evidence for pathogenicity. c.1533+1G>T and c.1533+2T>C have been reported as pathogenic in ClinVar. (SP) Legend: (SP) - Supporting pathogenic, (I) - Information, (SB) - Supporting benign

Revvity Omics, Revvity
Classification: Likely pathogenic for Fanconi anemia complementation group C. Last evaluated: 2021-08-31. Review status: criteria provided, single submitter. Criteria: ACMG Guidelines, 2015. Collection method: clinical testing. Allele origin: germline.

Ambry Genetics
Classification: Uncertain significance for Hereditary cancer-predisposing syndrome. Last evaluated: 2020-09-23. Review status: criteria provided, single submitter. Criteria: Ambry Variant Classification Scheme 2023. Collection method: clinical testing. Allele origin: germline.
Comment: The c.1533+1G>C intronic variant results from a G to C substitution one nucleotide after coding exon 13 of the FANCC gene. The resulting transcript is predicted to be in-frame and is not expected to trigger nonsense-mediated mRNA decay; however, direct evidence is unavailable. This nucleotide position is highly conserved in available vertebrate species. In silico splice site analysis predicts that this alteration will weaken the native splice donor site. The exact functional effect of the missing amino acids is unknown. Since supporting evidence is limited at this time, the clinical significance of this alteration remains unclear.

Neuberg Centre For Genomic Medicine, NCGM
Classification: Pathogenic for Fanconi anemia complementation group C. Review status: criteria provided, single submitter. Criteria: ACMG Guidelines, 2015. Collection method: clinical testing. Allele origin: germline. Inheritance: Autosomal recessive inheritance. Affected: yes.

Counsyl
Classification: Likely pathogenic for Fanconi anemia complementation group C. Last evaluated: 2016-05-24. Review status: no assertion criteria provided. Collection method: clinical testing. Allele origin: unknown. Not counted in ClinVar's aggregate classification.

Literature cited by the submitters: PubMed 17576681 (cited by Labcorp Genetics (formerly Invitae), Labcorp); PubMed 9536098 (cited by Labcorp Genetics (formerly Invitae), Labcorp); PubMed 8103176 (cited by Labcorp Genetics (formerly Invitae), Labcorp); PubMed 8882868 (cited by Labcorp Genetics (formerly Invitae), Labcorp); PubMed 24584348 (cited by Labcorp Genetics (formerly Invitae), Labcorp).

NM_000136.3(FANCC):c.1533+1G>C

Genes: AOPEP (aminopeptidase O (putative); plus strand), FANCC (FA complementation group C; minus strand). Cytogenetic location: 9q22.32.
Variant type: single nucleotide variant.
Coding change: c.1533+1G>C on transcript NM_000136.3 (MANE Select); the canonical splice donor site of the intron after coding-DNA position 1533, G replaced by C.
Molecular consequence: splice donor variant.
Genome position (GRCh38, 1-based): chr9:95,107,065, C>G on the plus strand (G>C on the coding strand, the complement: FANCC is on the minus strand). VCF-style: chr9-95107065-C-G. GRCh37 (hg19) VCF-style: chr9-97869347-C-G.
Other names: c.1533+1G>C (NM_001243743.2).
Identifiers: ClinVar variation 370968 (VCV000370968.20), dbSNP rs753885687, ClinGen allele CA5137319.